The following is an entry in ClinVar:

ClinVar aggregate classification (germline): Uncertain significance (1 of 4 stars; one submission).

Conditions:
Partial androgen insensitivity syndrome (PAIS). Also called: ANDROGEN INSENSITIVITY, PARTIAL, WITH OR WITHOUT BREAST CANCER; Gynecomastia, familial; Pseudohermaphroditism, Incomplete male, type I; Reifenstein syndrome, partial; Androgen resistance syndrome, partial; Type I familial incomplete male pseudohermaphroditism. Identifiers: Orphanet 90797, MedGen C0268301, MONDO:0010720, OMIM 312300.

Submission:

Institute of Human Genetics, University of Leipzig Medical Center
Classification: Uncertain significance for Partial androgen insensitivity syndrome. Last evaluated: 2024-03-25. Review status: criteria provided, single submitter. Criteria: ACMG Guidelines, 2015. Collection method: clinical testing. Allele origin: unknown. Inheritance: X-linked recessive inheritance. Affected: yes.
Comment: Criteria applied: PM1,PM2_SUP,PM5_SUP,PP3

NM_000044.6(AR):c.2201A>G (p.Gln734Arg)

Gene: AR (androgen receptor; plus strand). Cytogenetic location: Xq12.
Variant type: single nucleotide variant.
Coding change: c.2201A>G on transcript NM_000044.6 (MANE Select); coding-DNA position 2201, A replaced by G.
Protein change: p.Gln734Arg; replaces glutamine 734 with arginine.
Molecular consequence: missense variant.
Genome position (GRCh38, 1-based): chrX:67,717,505, A>G. VCF-style: chrX-67717505-A-G. GRCh37 (hg19) VCF-style: chrX-66937347-A-G.
Other names: c.605A>G, p.Gln202Arg (NM_001011645.3); c.2204A>G, p.Gln735Arg (NM_001424175.1); short protein forms Q202R, Q734R, Q735R.
Identifiers: ClinVar variation 3068454 (VCV003068454.2), dbSNP rs2147530685, ClinGen allele CA413424399.